The following is an entry in ClinVar:

NM_001130438.3(SPTAN1):c.5826T>A (p.Ile1942=)

Gene: SPTAN1 (spectrin alpha, non-erythrocytic 1; plus strand). Cytogenetic location: 9q34.11.
Variant type: single nucleotide variant.
Coding change: c.5826T>A on transcript NM_001130438.3 (MANE Select); coding-DNA position 5826, T replaced by A.
Protein change: p.Ile1942=; no amino-acid change (isoleucine 1942 retained).
Molecular consequence: synonymous variant.
Genome position (GRCh38, 1-based): chr9:128,621,250, T>A. VCF-style: chr9-128621250-T-A. GRCh37 (hg19) VCF-style: chr9-131383529-T-A.
Other names: c.5751T>A, p.Ile1917= (NM_001195532.2); c.5826T>A, p.Ile1942= (NM_001363759.2, NM_001375310.1, NM_001375311.2 and 1 more transcripts); c.5766T>A, p.Ile1922= (NM_001363765.2, NM_001375314.2); c.5862T>A, p.Ile1954= (NM_001375312.2, NM_001375318.1); c.5811T>A, p.Ile1937= (NM_003127.4).
Identifiers: ClinVar variation 3025345 (VCV003025345.22), dbSNP rs2542038920, ClinGen allele CA467304135.
Genomic context (GRCh38, chr9:128,621,250, plus strand): 5'-AGACTTCACCGTCCACAAGGATCGCGTGAATGATGTCTGCACCAATGGACAAGACCTCAT[T>A]AAGAAGGTGAGTCCAGCCCATTGGTAAGACCTCCATCGCCCACTGGGACACCCACGTGTT-3'
Protein context (NP_001123910.1, residues 1932-1952): NDVCTNGQDL[Ile1942=]KKNNHHEENI

ClinVar aggregate classification (germline): Likely benign (1 of 4 stars; one submission).

Allele frequency attached by ClinVar (database versions not stated): gnomAD exomes below 0.00001.
gnomAD v4.1: 4 of 1,613,042 alleles (0.00025%); highest among the groups gnomAD compares: Non-Finnish European, 0.00034%; no homozygotes.

Submission:

CeGaT Center for Human Genetics Tuebingen
Classification: Likely benign. Last evaluated: 2024-01-01. Review status: criteria provided, single submitter. Criteria: CeGaT Center For Human Genetics Tuebingen Variant Classification Criteria Version 2. Collection method: clinical testing. Allele origin: germline. Affected: yes. Observed: 1 variant allele.
Comment: SPTAN1: PM2:Supporting, BP4, BP7